The following is an entry in ClinVar:

NM_000141.5(FGFR2):c.1864-125dup

Gene: FGFR2 (fibroblast growth factor receptor 2; minus strand). Cytogenetic location: 10q26.13.
Variant type: Duplication.
Coding change: c.1864-125dup on transcript NM_000141.5 (MANE Select); 125 bases into the intron before coding-DNA position 1864, one base duplicated (T; older notation c.1864-125dupT).
Molecular consequence: intron variant.
Genome position (GRCh38, 1-based): chr10:121,488,238, A duplicated on the plus strand (T on the coding strand, the reverse complement: FGFR2 is on the minus strand). VCF-style (leftmost placement, unchanged base first): chr10-121488237-T-TA. GRCh37 (hg19) VCF-style: chr10-123247751-T-TA.
Other names: c.1864-125dupT (NM_000141.4); c.1528-125dup (NM_001144914.1); c.1513-125dup (NM_001144918.2, NM_001441091.1); c.1519-125dup (NM_001441090.1, NM_001144916.2); c.1591-125dup (NM_001441089.1); c.1597-125dup (NM_023029.3, NM_001144915.2); c.1594-125dup (NM_001441088.1); c.1516-125dup (NM_001144917.2); and 5 more.
Identifiers: ClinVar variation 670714 (VCV000670714.4), dbSNP rs4647914, ClinGen allele CA214290144.
Genomic context (GRCh38, chr10:121,488,237, plus strand): 5'-ATATGTTCATTTCTTAAAATGCAGATAGAAAATATAGCTGATGTTAAAAACCAGTTGCGG[T>TA]ATACTATAAGAAATACAGTGTGGCCGGGTGCGGTGGCTCATGCCTGTAATACCAGCACTT-3'

ClinVar aggregate classification (germline): Benign. Review status: criteria provided, single submitter (1 of 4 stars). 3 submissions from 3 submitters: Benign (1). 2 of the submissions do not count toward it. Last evaluated 2018-06-14.

Allele frequency attached by ClinVar (database versions not stated): gnomAD 0.28147 and 0.28413; TOPMed 0.28770; 1000 Genomes Project 30x 0.36430; 1000 Genomes Project 0.36961; gnomAD exomes 0.23029.

Submissions (3):

GeneDx
Classification: Benign. Last evaluated: 2018-06-14. Review status: criteria provided, single submitter. Criteria: GeneDx Variant Classification (06012015). Collection method: clinical testing. Allele origin: germline. Affected: yes.
Comment: This variant is considered likely benign or benign based on one or more of the following criteria: it is a conservative change, it occurs at a poorly conserved position in the protein, it is predicted to be benign by multiple in silico algorithms, and/or has population frequency not consistent with disease.

Clinical Genetics DNA and cytogenetics Diagnostics Lab, Erasmus MC, Erasmus Medical Center
Classification: Benign. Review status: no assertion criteria provided. Collection method: clinical testing. Allele origin: germline. Affected: yes. Study: VKGL Data-share Consensus. Not counted in ClinVar's aggregate classification.

Joint Genome Diagnostic Labs from Nijmegen and Maastricht, Radboudumc and MUMC+
Classification: Benign. Review status: no assertion criteria provided. Collection method: clinical testing. Allele origin: germline. Affected: yes. Study: VKGL Data-share Consensus. Not counted in ClinVar's aggregate classification.